The following is an entry in ClinVar:

ClinVar aggregate classification (germline): Uncertain significance (1 of 4 stars; one submission).

Conditions:
Primary ciliary dyskinesia. Also called: Ciliary dyskinesia. Identifiers: Orphanet 244, MedGen C0008780, MONDO:0016575, HP:0012265.

gnomAD v4.1: 5 of 1,614,100 alleles (0.00031%); highest among the groups gnomAD compares: African/African-American, 0.0027%; no homozygotes.

Submission:

Ambry Genetics
Classification: Uncertain significance for Primary ciliary dyskinesia. Last evaluated: 2025-03-01. Review status: criteria provided, single submitter. Criteria: Ambry Variant Classification Scheme 2023. Collection method: clinical testing. Allele origin: germline.
Comment: The p.G362D variant (also known as c.1085G>A), located in coding exon 8 of the DNAI2 gene, results from a G to A substitution at nucleotide position 1085. The glycine at codon 362 is replaced by aspartic acid, an amino acid with similar properties. This amino acid position is conserved. In addition, the in silico prediction for this alteration is inconclusive. Based on the available evidence, the clinical significance of this variant remains unclear.

NM_023036.6(DNAI2):c.1085G>A (p.Gly362Asp)

Gene: DNAI2 (dynein axonemal intermediate chain 2; plus strand). Cytogenetic location: 17q25.1.
Variant type: single nucleotide variant.
Coding change: c.1085G>A on transcript NM_023036.6 (MANE Select); coding-DNA position 1085, G replaced by A.
Protein change: p.Gly362Asp; replaces glycine 362 with aspartic acid.
Molecular consequence: missense variant. On other transcripts: non-coding transcript variant (1).
Genome position (GRCh38, 1-based): chr17:74,305,316, G>A. VCF-style: chr17-74305316-G-A. GRCh37 (hg19) VCF-style: chr17-72301455-G-A.
Other names: c.1085G>A, p.Gly362Asp (NM_001172810.3, NM_001353167.2); short protein forms G362D.
Identifiers: ClinVar variation 3841381 (VCV003841381.1).